The following is an entry in ClinVar:

ClinVar aggregate classification (germline): Uncertain significance (1 of 4 stars; one submission).

Conditions:
Severe combined immunodeficiency due to IKK2 deficiency. Also called: IMMUNODEFICIENCY 15B; Immunodeficiency 15. Identifiers: Orphanet 397787, MedGen C4747743, MONDO:0014267, OMIM 615592.

Allele frequency attached by ClinVar (database versions not stated): gnomAD exomes below 0.00001; ExAC 0.00002; ESP Exome Variant Server 0.00008.
gnomAD v4.1: 6 of 1,595,316 alleles (0.00038%); highest among the groups gnomAD compares: South Asian, 0.0011%; no homozygotes.

Submission:

Labcorp Genetics (formerly Invitae), Labcorp
Classification: Uncertain significance for Severe combined immunodeficiency due to IKK2 deficiency. Last evaluated: 2022-07-25. Review status: criteria provided, single submitter. Criteria: Invitae Variant Classification Sherloc (09022015). Collection method: clinical testing. Allele origin: germline.
Comment: This sequence change replaces leucine, which is neutral and non-polar, with phenylalanine, which is neutral and non-polar, at codon 414 of the IKBKB protein (p.Leu414Phe). This variant is present in population databases (rs375520322, gnomAD 0.004%). This variant has not been reported in the literature in individuals affected with IKBKB-related conditions. Algorithms developed to predict the effect of missense changes on protein structure and function are either unavailable or do not agree on the potential impact of this missense change (SIFT: "Tolerated"; PolyPhen-2: "Possibly Damaging"; Align-GVGD: "Class C0"). In summary, the available evidence is currently insufficient to determine the role of this variant in disease. Therefore, it has been classified as a Variant of Uncertain Significance.

NM_001556.3(IKBKB):c.1240C>T (p.Leu414Phe)

Gene: IKBKB (inhibitor of nuclear factor kappa B kinase subunit beta; plus strand). Cytogenetic location: 8p11.21.
Variant type: single nucleotide variant.
Coding change: c.1240C>T on transcript NM_001556.3 (MANE Select); coding-DNA position 1240, C replaced by T.
Protein change: p.Leu414Phe; replaces leucine 414 with phenylalanine.
Molecular consequence: missense variant. On other transcripts: non-coding transcript variant (3).
Genome position (GRCh38, 1-based): chr8:42,317,771, C>T. VCF-style: chr8-42317771-C-T. GRCh37 (hg19) VCF-style: chr8-42175289-C-T.
Other names: c.1048C>T, p.Leu350Phe (NM_001190720.3); c.1063C>T, p.Leu355Phe (NM_001242778.2); short protein forms L355F, L414F, L350F.
Identifiers: ClinVar variation 1930943 (VCV001930943.2), dbSNP rs375520322, ClinGen allele CA4731928.